The following is an entry in ClinVar:

NM_001291746.2(REL):c.892C>G (p.Leu298Val)

Gene: REL (REL proto-oncogene, NF-kB subunit; plus strand). Cytogenetic location: 2p16.1.
Variant type: single nucleotide variant.
Coding change: c.892C>G on transcript NM_001291746.2 (MANE Select); coding-DNA position 892, C replaced by G.
Protein change: p.Leu298Val; replaces leucine 298 with valine.
Molecular consequence: missense variant.
Genome position (GRCh38, 1-based): chr2:60,920,079, C>G. VCF-style: chr2-60920079-C-G. GRCh37 (hg19) VCF-style: chr2-61147214-C-G.
Other names: c.892C>G, p.Leu298Val (NM_002908.4); short protein forms L298V.
Identifiers: ClinVar variation 3152888 (VCV003152888.2), dbSNP rs757728369, ClinGen allele CA1672339.
Genomic context (GRCh38, chr2:60,920,079, plus strand): 5'-TTCCTGGTTTCTTTCTAATCAGATACTTACGGCAATAAAGCAAAGAAACAAAAGACAACT[C>G]TGCTTTTCCAGAAACTGTGCCAGGATCACGGTAAGAATAGTTTGGATCGATTCATATTTA-3'
Protein context (NP_001278675.1, residues 288-308): GNKAKKQKTT[Leu298Val]LFQKLCQDHV

ClinVar aggregate classification (germline): Uncertain significance. Review status: criteria provided, multiple submitters, no conflicts (2 of 4 stars). 2 submissions from 2 submitters: Uncertain significance (2). Last evaluated 2024-11-05.

Allele frequency attached by ClinVar (database versions not stated): gnomAD exomes below 0.00001; ExAC 0.00001; gnomAD 0.00006; TOPMed 0.00007.
gnomAD v4.1: 15 of 1,612,084 alleles (0.00093%); highest among the groups gnomAD compares: African/African-American, 0.017%; no homozygotes.

Submissions (2):

Labcorp Genetics (formerly Invitae), Labcorp
Classification: Uncertain significance. Last evaluated: 2024-11-05. Review status: criteria provided, single submitter. Criteria: Invitae Variant Classification Sherloc (09022015). Collection method: clinical testing. Allele origin: germline.
Comment: This sequence change replaces leucine, which is neutral and non-polar, with valine, which is neutral and non-polar, at codon 298 of the REL protein (p.Leu298Val). This variant is present in population databases (rs757728369, gnomAD 0.02%). This variant has not been reported in the literature in individuals affected with REL-related conditions. ClinVar contains an entry for this variant (Variation ID: 3152888). An algorithm developed to predict the effect of missense changes on protein structure and function (PolyPhen-2) suggests that this variant is likely to be disruptive. In summary, the available evidence is currently insufficient to determine the role of this variant in disease. Therefore, it has been classified as a Variant of Uncertain Significance.

Ambry Genetics
Classification: Uncertain significance. Last evaluated: 2024-01-30. Review status: criteria provided, single submitter. Criteria: Ambry Variant Classification Scheme 2023. Collection method: clinical testing. Allele origin: germline.